The following is an entry in ClinVar:

ClinVar aggregate classification (germline): Uncertain significance (1 of 4 stars; one submission).

Conditions:
Hereditary cancer-predisposing syndrome. Also called: Neoplastic Syndromes, Hereditary; Tumor predisposition; Hereditary neoplastic syndrome; Hereditary Cancer Syndrome. Identifiers: Orphanet 140162, MedGen C0027672, MeSH D009386, MONDO:0015356.

Submission:

Ambry Genetics
Classification: Uncertain significance for Hereditary cancer-predisposing syndrome. Last evaluated: 2023-02-17. Review status: criteria provided, single submitter. Criteria: Ambry Variant Classification Scheme 2023. Collection method: clinical testing. Allele origin: germline.
Comment: The p.D42V variant (also known as c.125A>T), located in coding exon 1 of the BARD1 gene, results from an A to T substitution at nucleotide position 125. The aspartic acid at codon 42 is replaced by valine, an amino acid with highly dissimilar properties. This amino acid position is conserved. In addition, this alteration is predicted to be tolerated by in silico analysis. Since supporting evidence is limited at this time, the clinical significance of this alteration remains unclear.

NM_000465.4(BARD1):c.125A>T (p.Asp42Val)

Gene: BARD1 (BRCA1 associated RING domain 1; minus strand). Cytogenetic location: 2q35.
Variant type: single nucleotide variant.
Coding change: c.125A>T on transcript NM_000465.4 (MANE Select); coding-DNA position 125, A replaced by T.
Protein change: p.Asp42Val; replaces aspartic acid 42 with valine.
Molecular consequence: missense variant. On other transcripts: non-coding transcript variant (3).
Genome position (GRCh38, 1-based): chr2:214,809,445, T>A on the plus strand (A>T on the coding strand, the complement: BARD1 is on the minus strand). VCF-style: chr2-214809445-T-A. GRCh37 (hg19) VCF-style: chr2-215674169-T-A.
Other names: c.125A>T, p.Asp42Val (NM_001282543.2, NM_001282545.2, NM_001282548.2 and 1 more transcripts); short protein forms D42V.
Identifiers: ClinVar variation 2450480 (VCV002450480.2), dbSNP rs2106170971, ClinGen allele CA350464926.